The following is an entry in ClinVar:

NM_030662.4(MAP2K2):c.700A>G (p.Met234Val)

Gene: MAP2K2 (mitogen-activated protein kinase kinase 2; minus strand). Cytogenetic location: 19p13.3.
Variant type: single nucleotide variant.
Coding change: c.700A>G on transcript NM_030662.4 (MANE Select); coding-DNA position 700, A replaced by G.
Protein change: p.Met234Val; replaces methionine 234 with valine.
Molecular consequence: missense variant.
Genome position (GRCh38, 1-based): chr19:4,101,024, T>C on the plus strand (A>G on the coding strand, the complement: MAP2K2 is on the minus strand). VCF-style: chr19-4101024-T-C. GRCh37 (hg19) VCF-style: chr19-4101022-T-C.
Other names: short protein forms M234V.
Identifiers: ClinVar variation 3731180 (VCV003731180.1).
Genomic context (GRCh38, chr19:4,101,024, plus strand): 5'-CTTGGGGGAGAGCAGCAGGGAGGAGAGCTGGAGGGGAGAGCCAGCGGGGACTCACAGCCA[T>C]GTAGGAGCGCGTGCCCACGAAGGAGTTGGCCATGGAGTCGATGAGCTGGCCGCTCACCCC-3'
Protein context (NP_109587.1, residues 224-244): ANSFVGTRSY[Met234Val]APERLQGTHY

ClinVar aggregate classification (germline): Uncertain significance (1 of 4 stars; one submission).

gnomAD v4.1: 1 of 1,558,720 alleles (0.000064%); highest among the groups gnomAD compares: Non-Finnish European, 0.000087%; no homozygotes.

Submission:

GeneDx
Classification: Uncertain significance. Last evaluated: 2024-08-13. Review status: criteria provided, single submitter. Criteria: GeneDx Variant Classification Process June 2021. Collection method: clinical testing. Allele origin: germline. Affected: yes.
Comment: Not observed at significant frequency in large population cohorts (gnomAD); Missense variants in this gene are a common cause of disease and they are underrepresented in the general population; In silico analysis supports that this missense variant has a deleterious effect on protein structure/function; Has not been previously published as pathogenic or benign to our knowledge; This variant is associated with the following publications: (PMID: 29493581)